The following is an entry in ClinVar:

ClinVar aggregate classification (germline): Conflicting classifications of pathogenicity. Review status: criteria provided, conflicting classifications (1 of 4 stars). 3 submissions from 3 submitters: Uncertain significance (2); Likely benign (1). Last evaluated 2025-12-08.

Conditions:
Inborn genetic diseases. Identifiers: MedGen C0950123, MeSH D030342.

Allele frequency attached by ClinVar (database versions not stated): gnomAD 0.00004 and 0.00005; ExAC 0.00005; gnomAD exomes 0.00007 and 0.00012; TOPMed 0.00008; ESP Exome Variant Server 0.00015.
gnomAD v4.1: 178 of 1,613,880 alleles (0.011%); highest among the groups gnomAD compares: Non-Finnish European, 0.014%; no homozygotes.

Submissions (3):

Ambry Genetics
Classification: Uncertain significance for Inborn genetic diseases. Last evaluated: 2025-12-08. Review status: criteria provided, single submitter. Criteria: Ambry Variant Classification Scheme 2023. Collection method: clinical testing. Allele origin: germline.

Labcorp Genetics (formerly Invitae), Labcorp
Classification: Uncertain significance. Last evaluated: 2025-10-19. Review status: criteria provided, single submitter. Criteria: Invitae Variant Classification Sherloc (09022015). Collection method: clinical testing. Allele origin: germline.
Comment: This sequence change replaces glutamic acid, which is acidic and polar, with lysine, which is basic and polar, at codon 2393 of the VCAN protein (p.Glu2393Lys). This variant is present in population databases (rs138857370, gnomAD 0.01%). This variant has not been reported in the literature in individuals affected with VCAN-related conditions. ClinVar contains an entry for this variant (Variation ID: 1515630). An algorithm developed to predict the effect of missense changes on protein structure and function outputs the following: PolyPhen-2: "Benign". The lysine amino acid residue is found in multiple mammalian species, which suggests that this missense change does not adversely affect protein function. In summary, the available evidence is currently insufficient to determine the role of this variant in disease. Therefore, it has been classified as a Variant of Uncertain Significance.

Blueprint Genetics
Classification: Likely benign. Last evaluated: 2024-10-15. Review status: criteria provided, single submitter. Criteria: ACMG Guidelines, 2015. Collection method: clinical testing. Allele origin: germline.

NM_004385.5(VCAN):c.7177G>A (p.Glu2393Lys)

Genes: VCAN (versican; plus strand), VCAN-AS1 (VCAN antisense RNA 1; minus strand). Cytogenetic location: 5q14.3.
Variant type: single nucleotide variant.
Coding change: c.7177G>A on transcript NM_004385.5 (MANE Select); coding-DNA position 7177, G replaced by A.
Protein change: p.Glu2393Lys; replaces glutamic acid 2393 with lysine.
Molecular consequence: missense variant. On other transcripts: intron variant (2).
Genome position (GRCh38, 1-based): chr5:83,540,180, G>A. VCF-style: chr5-83540180-G-A. GRCh37 (hg19) VCF-style: chr5-82835999-G-A.
Other names: c.7177G>A (NM_004385.4); c.4216G>A, p.Glu1406Lys (NM_001164097.2); c.4004-5357G>A (NM_001164098.2); c.1043-5357G>A (NM_001126336.3); short protein forms E2393K, E1406K.
Identifiers: ClinVar variation 1515630 (VCV001515630.9), dbSNP rs138857370, ClinGen allele CA3333596.